The following is an entry in ClinVar:

NM_001184.4(ATR):c.5029C>T (p.Gln1677Ter)

Gene: ATR (ATR checkpoint kinase; minus strand). Cytogenetic location: 3q23.
Variant type: single nucleotide variant.
Coding change: c.5029C>T on transcript NM_001184.4 (MANE Select); coding-DNA position 5029, C replaced by T.
Protein change: p.Gln1677Ter; replaces glutamine 1677 with a stop codon.
Molecular consequence: nonsense.
Genome position (GRCh38, 1-based): chr3:142,507,933, G>A on the plus strand (C>T on the coding strand, the complement: ATR is on the minus strand). VCF-style: chr3-142507933-G-A. GRCh37 (hg19) VCF-style: chr3-142226775-G-A.
Other names: c.4837C>T, p.Gln1613Ter (NM_001354579.2); short protein forms Q1613*, Q1677*.
Identifiers: ClinVar variation 1906193 (VCV001906193.5), dbSNP rs773596047, ClinGen allele CA2649705.

ClinVar aggregate classification (germline): Pathogenic (1 of 4 stars; one submission).

Allele frequency attached by ClinVar (database versions not stated): gnomAD exomes 0.00001; ExAC 0.00002.
gnomAD v4.1: 9 of 1,599,548 alleles (0.00056%); highest among the groups gnomAD compares: Non-Finnish European, 0.00069%; no homozygotes.

Submission:

Labcorp Genetics (formerly Invitae), Labcorp
Classification: Pathogenic. Last evaluated: 2022-02-11. Review status: criteria provided, single submitter. Criteria: Invitae Variant Classification Sherloc (09022015). Collection method: clinical testing. Allele origin: germline.
Comment: This sequence change creates a premature translational stop signal (p.Gln1677*) in the ATR gene. It is expected to result in an absent or disrupted protein product. Loss-of-function variants in ATR are known to be pathogenic (PMID: 21228398, 23144622). This variant is present in population databases (rs773596047, gnomAD 0.002%). This variant has not been reported in the literature in individuals affected with ATR-related conditions. For these reasons, this variant has been classified as Pathogenic.

Literature cited by the submitters: PubMed 21228398; PubMed 23144622.